The following is an entry in ClinVar:

NM_007294.4(BRCA1):c.2346dup (p.Ile783fs)

Gene: BRCA1 (BRCA1 DNA repair associated; minus strand). Cytogenetic location: 17q21.31.
Variant type: Duplication.
Coding change: c.2346dup on transcript NM_007294.4 (MANE Select); coding-DNA position 2346, one base duplicated (T; older notation c.2346dupT).
Protein change: p.Ile783fs; shifts the reading frame from isoleucine 783.
Molecular consequence: frameshift variant. On other transcripts: intron variant (137).
Genome position (GRCh38, 1-based): chr17:43,093,185, A duplicated on the plus strand (T on the coding strand, the reverse complement: BRCA1 is on the minus strand). VCF-style (leftmost placement, unchanged base first): chr17-43093184-T-TA. GRCh37 (hg19) VCF-style: chr17-41245201-T-TA.
Other names: 2465insT; c.2346dupT (NM_007294.3); c.2133dup, p.Ile712fs (NM_001407571.1, NM_001407853.1, NM_001407894.1 and 9 more transcripts); c.2346dup, p.Ile783fs (NM_001407581.1, NM_001407582.1, NM_001407583.1 and 30 more transcripts); c.2343dup, p.Ile782fs (NM_001407587.1, NM_001407590.1, NM_001407591.1 and 22 more transcripts); c.2337dup, p.Ile780fs (NM_001407646.1, NM_001407647.1); c.2223dup, p.Ile742fs (NM_001407648.1, NM_001407664.1, NM_001407665.1 and 19 more transcripts); c.2220dup, p.Ile741fs (NM_001407649.1, NM_001407670.1, NM_001407671.1 and 11 more transcripts); and 43 more; short protein forms I736fs, I783fs, I694fs, I715fs, I716fs, I735fs, I742fs, I487fs.
Identifiers: ClinVar variation 266252 (VCV000266252.17), dbSNP rs886040027, ClinGen allele CA10589860.

ClinVar aggregate classification (germline): Pathogenic. Review status: reviewed by expert panel (3 of 4 stars). 7 submissions from 7 submitters: Pathogenic (1). 6 of the submissions do not count toward it. Last evaluated 2016-10-18.

Conditions:
Hereditary cancer-predisposing syndrome. Also called: Hereditary Cancer Syndrome; Neoplastic Syndromes, Hereditary; Hereditary neoplastic syndrome; Tumor predisposition. Identifiers: Orphanet 140162, MedGen C0027672, MeSH D009386, MONDO:0015356.
Hereditary breast ovarian cancer syndrome. Also called: Hereditary breast and ovarian cancer syndrome (HBOC); Breast and ovarian cancer; Hereditary breast and ovarian cancer syndrome; Hereditary breast and ovarian cancer; BRCA1- and BRCA2-Associated Hereditary Breast and Ovarian Cancer; Hereditary breast and/or ovarian cancer syndrome. Identifiers: Orphanet 145, MedGen C0677776, MeSH D061325, MONDO:0003582. Disease mechanism: loss of function.
Breast-ovarian cancer, familial, susceptibility to, 1 (BROVCA1). Also called: BRCA1 Hereditary Breast and Ovarian Cancer; OVARIAN CANCER, SUSCEPTIBILITY TO. Identifiers: Orphanet 145, MedGen C2676676, MONDO:0011450, OMIM 604370. Disease mechanism: loss of function.

Submissions (7):

Evidence-based Network for the Interpretation of Germline Mutant Alleles (ENIGMA)
Classification: Pathogenic for Breast-ovarian cancer, familial, susceptibility to, 1. Last evaluated: 2016-10-18. Review status: reviewed by expert panel. Criteria: ENIGMA BRCA1/2 Classification Criteria (2015). Collection method: curation. Allele origin: germline.
Comment: Variant allele predicted to encode a truncated non-functional protein.

Ambry Genetics
Classification: Pathogenic for Hereditary cancer-predisposing syndrome. Last evaluated: 2025-09-15. Review status: criteria provided, single submitter. Criteria: Ambry Variant Classification Scheme 2023. Collection method: clinical testing. Allele origin: germline. Not counted in ClinVar's aggregate classification.
Comment: The c.2346dupT pathogenic mutation, located in coding exon 9 of the BRCA1 gene, results from a duplication of T at nucleotide position 2346, causing a translational frameshift with a predicted alternate stop codon (p.I783Yfs*7). This variant is considered to be rare based on population cohorts in the Genome Aggregation Database (gnomAD). This alteration is expected to result in loss of function by premature protein truncation or nonsense-mediated mRNA decay. As such, this alteration is interpreted as a disease-causing mutation.

Labcorp Genetics (formerly Invitae), Labcorp
Classification: Pathogenic for Hereditary breast ovarian cancer syndrome. Last evaluated: 2024-02-27. Review status: criteria provided, single submitter. Criteria: Invitae Variant Classification Sherloc (09022015). Collection method: clinical testing. Allele origin: germline. Not counted in ClinVar's aggregate classification.
Comment: This sequence change creates a premature translational stop signal (p.Ile783Tyrfs*7) in the BRCA1 gene. It is expected to result in an absent or disrupted protein product. Loss-of-function variants in BRCA1 are known to be pathogenic (PMID: 20104584). This variant is not present in population databases (gnomAD no frequency). This variant has not been reported in the literature in individuals affected with BRCA1-related conditions. ClinVar contains an entry for this variant (Variation ID: 266252). For these reasons, this variant has been classified as Pathogenic.

Baylor Genetics
Classification: Likely pathogenic for Breast-ovarian cancer, familial, susceptibility to, 1. Last evaluated: 2023-07-04. Review status: criteria provided, single submitter. Criteria: ACMG Guidelines, 2015. Collection method: clinical testing. Allele origin: unknown. Not counted in ClinVar's aggregate classification.

Women's Health and Genetics/Laboratory Corporation of America, LabCorp
Classification: Likely pathogenic for Hereditary breast ovarian cancer syndrome. Last evaluated: 2017-02-14. Review status: criteria provided, single submitter. Criteria: LabCorp Variant Classification Summary - May 2015. Collection method: clinical testing. Allele origin: germline. Not counted in ClinVar's aggregate classification.
Comment: Variant summary: The BRCA1 c.2346dupT (p.Ile783Tyrfs) variant results in a premature termination codon, predicted to cause a truncated or absent BRCA1 protein due to nonsense mediated decay, which are commonly known mechanisms for disease. Truncations downstream of this position have been classified as pathogenic by our laboratory (e.g., c.2389G>T (p.Glu797X), c.2411_2412delAG (p.Gln804fs), and c.2433delC (p.Lys812fs)). Mutation Taster predicts a damaging outcome for this variant. This variant is absent in 121364 control chromosomes from the ExAC database, a large control database. In addition, multiple clinical diagnostic laboratories classified this variant as pathogenic. The variant of interest has not, to our knowledge, been reported in affected individuals via publications, nor has it been evaluated for functional impact by in vivo/vitro studies. Taken together, this variant is classified as likely pathogenic.

Quest Diagnostics Nichols Institute San Juan Capistrano
Classification: Likely pathogenic. Last evaluated: 2016-08-23. Review status: criteria provided, single submitter. Criteria: Quest Diagnostics criteria. Collection method: clinical testing. Allele origin: germline. Not counted in ClinVar's aggregate classification.

Consortium of Investigators of Modifiers of BRCA1/2 (CIMBA), c/o University of Cambridge
Classification: Pathogenic for Breast-ovarian cancer, familial, susceptibility to, 1. Last evaluated: 2015-10-02. Review status: criteria provided, single submitter. Criteria: CIMBA Mutation Classification guidelines May 2016. Collection method: clinical testing. Allele origin: germline. Not counted in ClinVar's aggregate classification.

Literature cited by the submitters: PubMed 20104584 (cited by Labcorp Genetics (formerly Invitae), Labcorp).